The following is an entry in ClinVar:

NM_000587.4(C7):c.2445G>A (p.Met815Ile)

Gene: C7 (complement C7; plus strand). Cytogenetic location: 5p13.1.
Variant type: single nucleotide variant.
Coding change: c.2445G>A on transcript NM_000587.4 (MANE Select); coding-DNA position 2445, G replaced by A.
Protein change: p.Met815Ile; replaces methionine 815 with isoleucine.
Molecular consequence: missense variant.
Genome position (GRCh38, 1-based): chr5:40,981,486, G>A. VCF-style: chr5-40981486-G-A. GRCh37 (hg19) VCF-style: chr5-40981588-G-A.
Other names: short protein forms M815I.
Identifiers: ClinVar variation 2149918 (VCV002149918.1), dbSNP rs985489827, ClinGen allele CA117241844.
Genomic context (GRCh38, chr5:40,981,486, plus strand): 5'-GGAGTGCGAGGAAGAAGGGTTTAGCATTTGTGTGGAAGTGAACGGCAAGGAGCAGACGAT[G>A]TCTGAGTGTGAGGCGGGCGCTCTGAGATGCAGAGGGCAGAGCATCTCTGTCACCAGCATA-3'
Protein context (NP_000578.2, residues 805-825): CVEVNGKEQT[Met815Ile]SECEAGALRC

ClinVar aggregate classification (germline): Uncertain significance (1 of 4 stars; one submission).

Allele frequency attached by ClinVar (database versions not stated): gnomAD exomes below 0.00001; gnomAD 0.00001.
gnomAD v4.1: 6 of 1,613,750 alleles (0.00037%); highest among the groups gnomAD compares: African/African-American, 0.0013%; no homozygotes.

Submission:

Labcorp Genetics (formerly Invitae), Labcorp
Classification: Uncertain significance. Last evaluated: 2022-10-18. Review status: criteria provided, single submitter. Criteria: Invitae Variant Classification Sherloc (09022015). Collection method: clinical testing. Allele origin: germline.
Comment: This sequence change replaces methionine, which is neutral and non-polar, with isoleucine, which is neutral and non-polar, at codon 815 of the C7 protein (p.Met815Ile). This variant is not present in population databases (gnomAD no frequency). This variant has not been reported in the literature in individuals affected with C7-related conditions. Advanced modeling of protein sequence and biophysical properties (such as structural, functional, and spatial information, amino acid conservation, physicochemical variation, residue mobility, and thermodynamic stability) performed at Invitae indicates that this missense variant is not expected to disrupt C7 protein function. In summary, the available evidence is currently insufficient to determine the role of this variant in disease. Therefore, it has been classified as a Variant of Uncertain Significance.